The following is an entry in ClinVar:

NM_001035.3(RYR2):c.1792A>T (p.Ile598Phe)

Gene: RYR2 (ryanodine receptor 2; plus strand). Cytogenetic location: 1q43.
Variant type: single nucleotide variant.
Coding change: c.1792A>T on transcript NM_001035.3 (MANE Select); coding-DNA position 1792, A replaced by T.
Protein change: p.Ile598Phe; replaces isoleucine 598 with phenylalanine.
Molecular consequence: missense variant.
Genome position (GRCh38, 1-based): chr1:237,491,889, A>T. VCF-style: chr1-237491889-A-T. GRCh37 (hg19) VCF-style: chr1-237655189-A-T.
Other names: short protein forms I598F.
Identifiers: ClinVar variation 3385677 (VCV003385677.1).
Genomic context (GRCh38, chr1:237,491,889, plus strand): 5'-GTTTTAGTAGAAAGTCCAGAAGCTCTAAATATTATTAAAGAAGGACATATTAAATCTATT[A>T]TCTCACTTTTAGACAAACATGGAAGAAATCACAAGGTAAATGAACTATTTTATTTCCCTG-3'
Protein context (NP_001026.2, residues 588-608): IIKEGHIKSI[Ile598Phe]SLLDKHGRNH

ClinVar aggregate classification (germline): Uncertain significance (1 of 4 stars; one submission).

Conditions:
Catecholaminergic polymorphic ventricular tachycardia (CVPT). Also called: Catecholamine-induced polymorphic ventricular tachycardia. Identifiers: Orphanet 3286, MedGen C5574922, MONDO:0017990.

gnomAD v4.1: 1 of 1,423,482 alleles (0.00007%); highest among the groups gnomAD compares: Non-Finnish European, 0.000097%; no homozygotes.

Submission:

All of Us Research Program, National Institutes of Health
Classification: Uncertain significance for Catecholaminergic polymorphic ventricular tachycardia. Last evaluated: 2024-03-05. Review status: criteria provided, single submitter. Criteria: ACMG Guidelines, 2015. Collection method: clinical testing. Allele origin: germline. Inheritance: Autosomal dominant inheritance. Observed: 1 variant allele, 1 heterozygote.
Comment: This study involves interpretation of variants in research participants for the purpose of population health screening. Participant phenotype was not available at the time of variant classification. Additional details can be found in publication PMID: 35346344, PMCID: PMC8962531